The following is an entry in ClinVar:

NM_002972.4(SBF1):c.2023G>C (p.Val675Leu)

Gene: SBF1 (SET binding factor 1; minus strand). Cytogenetic location: 22q13.33.
Variant type: single nucleotide variant.
Coding change: c.2023G>C on transcript NM_002972.4 (MANE Select); coding-DNA position 2023, G replaced by C.
Protein change: p.Val675Leu; replaces valine 675 with leucine.
Molecular consequence: missense variant.
Genome position (GRCh38, 1-based): chr22:50,462,663, C>G on the plus strand (G>C on the coding strand, the complement: SBF1 is on the minus strand). VCF-style: chr22-50462663-C-G. GRCh37 (hg19) VCF-style: chr22-50901092-C-G.
Other names: c.2026G>C, p.Val676Leu (NM_001365819.1); short protein forms V675L, V676L.
Identifiers: ClinVar variation 1431183 (VCV001431183.6), dbSNP rs749529527, ClinGen allele CA412212761.

ClinVar aggregate classification (germline): Uncertain significance (1 of 4 stars; one submission).

Submission:

Labcorp Genetics (formerly Invitae), Labcorp
Classification: Uncertain significance. Last evaluated: 2021-08-05. Review status: criteria provided, single submitter. Criteria: Invitae Variant Classification Sherloc (09022015). Collection method: clinical testing. Allele origin: germline.
Comment: In summary, the available evidence is currently insufficient to determine the role of this variant in disease. Therefore, it has been classified as a Variant of Uncertain Significance. Algorithms developed to predict the effect of missense changes on protein structure and function are either unavailable or do not agree on the potential impact of this missense change (SIFT: "Deleterious"; PolyPhen-2: "Probably Damaging"; Align-GVGD: "Class C0"). This variant has not been reported in the literature in individuals affected with SBF1-related conditions. This variant is not present in population databases (ExAC no frequency). This sequence change replaces valine with leucine at codon 675 of the SBF1 protein (p.Val675Leu). The valine residue is highly conserved and there is a small physicochemical difference between valine and leucine.